The following is an entry in ClinVar:

ClinVar aggregate classification (germline): Uncertain significance (1 of 4 stars; one submission).

Conditions:
Developmental and epileptic encephalopathy, 11 (DEE11). Also called: Early infantile epileptic encephalopathy 11. Identifiers: Orphanet 1934, MedGen C3150987, MONDO:0013388, OMIM 613721.
Seizures, benign familial infantile, 3 (BFIS3). Also called: CONVULSIONS, BENIGN FAMILIAL INFANTILE, 3; Familial neonatal seizures. Identifiers: Orphanet 140927, Orphanet 306, MedGen C1843140, MONDO:0011904, OMIM 607745.

Submission:

Labcorp Genetics (formerly Invitae), Labcorp
Classification: Uncertain significance for Seizures, benign familial infantile, 3; Developmental and epileptic encephalopathy, 11. Last evaluated: 2024-04-17. Review status: criteria provided, single submitter. Criteria: Invitae Variant Classification Sherloc (09022015). Collection method: clinical testing. Allele origin: germline.
Comment: This sequence change replaces leucine, which is neutral and non-polar, with phenylalanine, which is neutral and non-polar, at codon 1543 of the SCN2A protein (p.Leu1543Phe). This variant is not present in population databases (gnomAD no frequency). This variant has not been reported in the literature in individuals affected with SCN2A-related conditions. Advanced modeling of protein sequence and biophysical properties (such as structural, functional, and spatial information, amino acid conservation, physicochemical variation, residue mobility, and thermodynamic stability) performed at Invitae indicates that this missense variant is expected to disrupt SCN2A protein function with a positive predictive value of 95%. In summary, the available evidence is currently insufficient to determine the role of this variant in disease. Therefore, it has been classified as a Variant of Uncertain Significance.

NM_001040142.2(SCN2A):c.4627C>T (p.Leu1543Phe)

Gene: SCN2A (sodium voltage-gated channel alpha subunit 2; plus strand). Cytogenetic location: 2q24.3.
Variant type: single nucleotide variant.
Coding change: c.4627C>T on transcript NM_001040142.2 (MANE Select); coding-DNA position 4627, C replaced by T.
Protein change: p.Leu1543Phe; replaces leucine 1543 with phenylalanine.
Molecular consequence: missense variant.
Genome position (GRCh38, 1-based): chr2:165,386,821, C>T. VCF-style: chr2-165386821-C-T. GRCh37 (hg19) VCF-style: chr2-166243331-C-T.
Other names: c.4627C>T, p.Leu1543Phe (NM_001040143.2, NM_001371246.1, NM_001371247.1 and 1 more transcripts); short protein forms L1543F.
Identifiers: ClinVar variation 3755907 (VCV003755907.2).
Genomic context (GRCh38, chr2:165,386,821, plus strand): 5'-ATGGTCTTTGATTTTGTAACCAAACAAGTCTTTGATATCAGCATCATGATCCTCATCTGC[C>T]TTAACATGGTCACCATGATGGTGGAAACCGATGACCAGAGTCAAGAAATGACAAACATTC-3'
Protein context (NP_001035232.1, residues 1533-1553): FDISIMILIC[Leu1543Phe]NMVTMMVETD